The following is an entry in ClinVar:

ClinVar aggregate classification (germline): Uncertain significance. Review status: criteria provided, multiple submitters, no conflicts (2 of 4 stars). 3 submissions from 3 submitters: Uncertain significance (3). Last evaluated 2025-09-10.

Conditions:
Hypogonadotropic hypogonadism 2 with or without anosmia (HH2). Also called: FGFR1-Related GnRH Deficiency (Kallmann Syndrome 2); HYPOGONADOTROPIC HYPOGONADISM 2 WITHOUT ANOSMIA; HYPOGONADOTROPIC HYPOGONADISM 2 WITH OR WITHOUT ANOSMIA, SUSCEPTIBILITY TO; HYPOGONADOTROPIC HYPOGONADISM 2 WITHOUT ANOSMIA, SUSCEPTIBILITY TO. Identifiers: Orphanet 478, MedGen C1563720, MONDO:0007844, OMIM 147950. Disease mechanism: loss of function.
Pfeiffer syndrome (ACS5). Also called: ACS V. Identifiers: Orphanet 710, MedGen C0220658, MONDO:0007043, OMIM 101600.

Submissions (3):

Genomic Medicine Center of Excellence, King Faisal Specialist Hospital and Research Centre
Classification: Uncertain significance for Hypogonadotropic hypogonadism 2 with or without anosmia. Last evaluated: 2025-09-10. Review status: criteria provided, single submitter. Criteria: ACMG Guidelines, 2015. Collection method: clinical testing. Allele origin: germline.

Labcorp Genetics (formerly Invitae), Labcorp
Classification: Uncertain significance for Pfeiffer syndrome; Hypogonadotropic hypogonadism 2 with or without anosmia. Last evaluated: 2025-07-06. Review status: criteria provided, single submitter. Criteria: Invitae Variant Classification Sherloc (09022015). Collection method: clinical testing. Allele origin: germline.
Comment: This sequence change replaces arginine, which is basic and polar, with tryptophan, which is neutral and slightly polar, at codon 570 of the FGFR1 protein (p.Arg570Trp). This variant is not present in population databases (gnomAD no frequency). This missense change has been observed in individual(s) with Kallmann syndrome (PMID: 25064402). Invitae Evidence Modeling of protein sequence and biophysical properties (such as structural, functional, and spatial information, amino acid conservation, physicochemical variation, residue mobility, and thermodynamic stability) indicates that this missense variant is expected to disrupt FGFR1 protein function with a positive predictive value of 80%. In summary, the available evidence is currently insufficient to determine the role of this variant in disease. Therefore, it has been classified as a Variant of Uncertain Significance.

Laboratory of Genetics, Children's Clinical University Hospital Latvia
Classification: Uncertain significance. Last evaluated: 2025-02-16. Review status: criteria provided, single submitter. Criteria: ACMG Guidelines, 2015. Collection method: clinical testing. Allele origin: germline. Affected: yes.

Literature cited by the submitters: PubMed 25064402 (cited by Labcorp Genetics (formerly Invitae), Labcorp).

NM_023110.3(FGFR1):c.1708C>T (p.Arg570Trp)

Gene: FGFR1 (fibroblast growth factor receptor 1; minus strand). Cytogenetic location: 8p11.23.
Variant type: single nucleotide variant.
Coding change: c.1708C>T on transcript NM_023110.3 (MANE Select); coding-DNA position 1708, C replaced by T.
Protein change: p.Arg570Trp; replaces arginine 570 with tryptophan.
Molecular consequence: missense variant.
Genome position (GRCh38, 1-based): chr8:38,416,016, G>A on the plus strand (C>T on the coding strand, the complement: FGFR1 is on the minus strand). VCF-style: chr8-38416016-G-A. GRCh37 (hg19) VCF-style: chr8-38273534-G-A.
Other names: c.1702C>T, p.Arg568Trp (NM_001174063.2, NM_001174065.2, NM_001354367.2 and 1 more transcripts); c.1678C>T, p.Arg560Trp (NM_001174064.2); c.1441C>T, p.Arg481Trp (NM_001174066.2, NM_023105.3); c.1801C>T, p.Arg601Trp (NM_001174067.2); c.1429C>T, p.Arg477Trp (NM_001354368.2); c.1696C>T, p.Arg566Trp (NM_001354369.2, NM_001410922.1); c.1435C>T, p.Arg479Trp (NM_001354370.2, NM_023106.3); c.1801C>T (NM_001174067.1); short protein forms R477W, R479W, R481W, R560W, R566W, R568W, R570W, R601W.
Identifiers: ClinVar variation 3911087 (VCV003911087.3).